The following is an entry in ClinVar:

NM_000238.4(KCNH2):c.2931C>A (p.Cys977Ter)

Gene: KCNH2 (potassium voltage-gated channel subfamily H member 2; minus strand). Cytogenetic location: 7q36.1.
Variant type: single nucleotide variant.
Coding change: c.2931C>A on transcript NM_000238.4 (MANE Select); coding-DNA position 2931, C replaced by A.
Protein change: p.Cys977Ter; replaces cysteine 977 with a stop codon.
Molecular consequence: nonsense.
Genome position (GRCh38, 1-based): chr7:150,947,640, G>T on the plus strand (C>A on the coding strand, the complement: KCNH2 is on the minus strand). VCF-style: chr7-150947640-G-T. GRCh37 (hg19) VCF-style: chr7-150644728-G-T.
Other names: c.1911C>A, p.Cys637Ter (NM_172057.3); short protein forms C977*, C637*.
Identifiers: ClinVar variation 568003 (VCV000568003.7), dbSNP rs761585108, ClinGen allele CA369853109.

ClinVar aggregate classification (germline): Pathogenic. Review status: criteria provided, multiple submitters, no conflicts (2 of 4 stars). 2 submissions from 2 submitters: Pathogenic (2). Last evaluated 2025-11-12.

Conditions:
Long QT syndrome (LQTS). Identifiers: MedGen C0023976, MeSH D008133, MONDO:0002442. Disease mechanism: loss of function. Inheritance: Various modes of inheritance.
KCNH2-related disorder. Also called: KCNH2-related condition; KCNH2-related disorders.

Submissions (2):

Labcorp Genetics (formerly Invitae), Labcorp
Classification: Pathogenic for Long QT syndrome. Last evaluated: 2025-11-12. Review status: criteria provided, single submitter. Criteria: Invitae Variant Classification Sherloc (09022015). Collection method: clinical testing. Allele origin: germline.
Comment: This sequence change creates a premature translational stop signal (p.Cys977*) in the KCNH2 gene. It is expected to result in an absent or disrupted protein product. Loss-of-function variants in KCNH2 are known to be pathogenic (PMID: 10973849, 19862833). This variant is not present in population databases (gnomAD no frequency). This premature translational stop signal has been observed in individual(s) with KCNH2-related conditions (PMID: 36861347). ClinVar contains an entry for this variant (Variation ID: 568003). For these reasons, this variant has been classified as Pathogenic.

Blueprint Genetics
Classification: Pathogenic for KCNH2-related disorders. Last evaluated: 2023-01-24. Review status: criteria provided, single submitter. Criteria: ACMG Guidelines, 2015. Collection method: clinical testing. Allele origin: germline. Affected: yes. Observed: 2 variant alleles.

Literature cited by the submitters: PubMed 10973849 (cited by Labcorp Genetics (formerly Invitae), Labcorp); PubMed 19862833 (cited by Labcorp Genetics (formerly Invitae), Labcorp); PubMed 36861347 (cited by Labcorp Genetics (formerly Invitae), Labcorp).